The following is an entry in ClinVar:

NM_001130987.2(DYSF):c.2642A>C (p.Asp881Ala)

Gene: DYSF (dysferlin; plus strand). Cytogenetic location: 2p13.2.
Variant type: single nucleotide variant.
Coding change: c.2642A>C on transcript NM_001130987.2 (MANE Select); coding-DNA position 2642, A replaced by C.
Protein change: p.Asp881Ala; replaces aspartic acid 881 with alanine.
Molecular consequence: missense variant.
Genome position (GRCh38, 1-based): chr2:71,568,027, A>C. VCF-style: chr2-71568027-A-C. GRCh37 (hg19) VCF-style: chr2-71795157-A-C.
Other names: c.2591A>C, p.Asp864Ala (NM_001130455.2, NM_001130983.2); c.2546A>C, p.Asp849Ala (NM_001130976.2, NM_001130977.2); c.2588A>C, p.Asp863Ala (NM_001130978.2, NM_003494.4); c.2681A>C, p.Asp894Ala (NM_001130979.2); c.2639A>C, p.Asp880Ala (NM_001130980.2, NM_001130981.2); c.2684A>C, p.Asp895Ala (NM_001130982.2); c.2549A>C, p.Asp850Ala (NM_001130984.2, NM_001130986.2); c.2642A>C, p.Asp881Ala (NM_001130985.2); short protein forms D863A, D881A, D849A, D850A, D864A, D880A, D894A, D895A.
Identifiers: ClinVar variation 167019 (VCV000167019.55), dbSNP rs35884879, ClinGen allele CA179987.
Genomic context (GRCh38, chr2:71,568,027, plus strand): 5'-TGCCTGGCGCCCGGATGCCAGTGCAGATACGGGTCAAGCTGTGGTTTGGGCTCTCAGTGG[A>C]TGAGAAGGAGTTCAACCAGTTTGCTGAGGGGAAGCTGTCTGTCTTTGCTGAAACCGTGAG-3'
Protein context (NP_001124459.1, residues 871-891): RVKLWFGLSV[Asp881Ala]EKEFNQFAEG

ClinVar aggregate classification (germline): Benign/Likely benign. Review status: criteria provided, multiple submitters, no conflicts (2 of 4 stars). 7 submissions from 7 submitters: Benign (5); Likely benign (1). 1 of the submissions does not count toward it. Last evaluated 2026-01-28.

Conditions:
Neuromuscular disease caused by qualitative or quantitative defects of dysferlin. Also called: Qualitative or quantitative defects of dysferlin; Dysferlinopathy. Identifiers: Orphanet 207073, MedGen C2931687, MONDO:0016145.
Autosomal recessive limb-girdle muscular dystrophy type 2B (LGMDR2). Also called: MUSCULAR DYSTROPHY, LIMB-GIRDLE, AUTOSOMAL RECESSIVE 2; Limb-Girdle Muscular Dystrophy Type 2B (LGMD2B); Limb-girdle muscular dystrophy, type 2B; MUSCULAR DYSTROPHY, LIMB-GIRDLE, TYPE 3. Identifiers: Orphanet 268, MedGen C1850889, MONDO:0009676, OMIM 253601.

Allele frequency attached by ClinVar (database versions not stated): ExAC 0.00185; 1000 Genomes Project 0.00499; gnomAD 0.00541 and 0.00589; 1000 Genomes Project 30x 0.00578; ESP Exome Variant Server 0.00607; gnomAD exomes 0.00050 and 0.00143; TOPMed 0.00620.
gnomAD v4.1: 1,572 of 1,614,090 alleles (0.097%); highest among the groups gnomAD compares: African/African-American, 1.9%; 12 homozygotes.

Submissions (7):

Labcorp Genetics (formerly Invitae), Labcorp
Classification: Benign for Neuromuscular disease caused by qualitative or quantitative defects of dysferlin. Last evaluated: 2026-01-28. Review status: criteria provided, single submitter. Criteria: Invitae Variant Classification Sherloc (09022015). Collection method: clinical testing. Allele origin: germline.

Athena Diagnostics
Classification: Benign. Last evaluated: 2025-10-23. Review status: criteria provided, single submitter. Criteria: Athena Diagnostics Criteria. Collection method: clinical testing. Allele origin: unknown.
Comment: The frequency of this variant in the general population is higher than would generally be expected for pathogenic variants in this gene.

Mayo Clinic Laboratories, Mayo Clinic
Classification: Benign. Last evaluated: 2023-08-23. Review status: criteria provided, single submitter. Criteria: ACMG Guidelines, 2015. Collection method: clinical testing. Allele origin: germline. Observed: 6 variant alleles.

GeneDx
Classification: Benign. Last evaluated: 2017-09-12. Review status: criteria provided, single submitter. Criteria: GeneDx Variant Classification (06012015). Collection method: clinical testing. Allele origin: germline. Affected: yes.
Comment: This variant is considered likely benign or benign based on one or more of the following criteria: it is a conservative change, it occurs at a poorly conserved position in the protein, it is predicted to be benign by multiple in silico algorithms, and/or has population frequency not consistent with disease.

Eurofins Ntd Llc (ga)
Classification: Benign. Last evaluated: 2013-12-16. Review status: criteria provided, single submitter. Criteria: EGL Classification Definitions 2015. Collection method: clinical testing. Allele origin: germline. Observed: 1 variant allele, 1 heterozygote.

Breakthrough Genomics
Classification: Likely benign. Review status: criteria provided, single submitter. Criteria: ACMG Guidelines, 2015. Collection method: not provided. Allele origin: germline. Inheritance: Autosomal recessive inheritance. Affected: yes.

Natera, Inc.
Classification: Benign for Limb-girdle muscular dystrophy type 2B. Last evaluated: 2019-12-10. Review status: no assertion criteria provided. Collection method: clinical testing. Allele origin: germline. Not counted in ClinVar's aggregate classification.